The following is an entry in ClinVar:

NM_014889.4(PITRM1):c.938G>T (p.Cys313Phe)

Gene: PITRM1 (pitrilysin metallopeptidase 1; minus strand). Cytogenetic location: 10p15.2.
Variant type: single nucleotide variant.
Coding change: c.938G>T on transcript NM_014889.4 (MANE Select); coding-DNA position 938, G replaced by T.
Protein change: p.Cys313Phe; replaces cysteine 313 with phenylalanine.
Molecular consequence: missense variant. On other transcripts: 5 prime UTR variant (1), non-coding transcript variant (4).
Genome position (GRCh38, 1-based): chr10:3,159,917, C>A on the plus strand (G>T on the coding strand, the complement: PITRM1 is on the minus strand). VCF-style: chr10-3159917-C-A. GRCh37 (hg19) VCF-style: chr10-3202109-C-A.
Other names: c.938G>T, p.Cys313Phe (NM_001242307.2, NM_001347725.2); c.842G>T, p.Cys281Phe (NM_001242309.1); c.323G>T, p.Cys108Phe (NM_001347726.2, NM_001347727.2); c.-363G>T (NM_001347728.2); c.914G>T, p.Cys305Phe (NM_001347729.1, NM_001347730.1); short protein forms C281F, C313F, C108F, C305F.
Identifiers: ClinVar variation 4741234 (VCV004741234.1).
Genomic context (GRCh38, chr10:3,159,917, plus strand): 5'-AGGAAGCTAACGCTGATGGTTGTTTGTTTAGAGGGATCTGTAGCAAATGAATCCGGGCCA[C>A]ATGTTATCTGGAATTCCCTCTGTAAAATGACGTGACGTTGTGAGTAGGCACAGTGTCTGA-3'
Protein context (NP_055704.2, residues 303-323): WDKPREFQIT[Cys313Phe]GPDSFATDPS

ClinVar aggregate classification (germline): Uncertain significance (1 of 4 stars; one submission).

gnomAD v4.1: 18 of 1,601,514 alleles (0.0011%); highest among the groups gnomAD compares: African/African-American, 0.0053%; no homozygotes.

Submission:

Labcorp Genetics (formerly Invitae), Labcorp
Classification: Uncertain significance. Last evaluated: 2025-01-29. Review status: criteria provided, single submitter. Criteria: Invitae Variant Classification Sherloc (09022015). Collection method: clinical testing. Allele origin: germline.
Comment: This sequence change replaces cysteine, which is neutral and slightly polar, with phenylalanine, which is neutral and non-polar, at codon 281 of the PITRM1 protein (p.Cys281Phe). This variant is present in population databases (rs372262012, gnomAD 0.01%). This variant has not been reported in the literature in individuals affected with PITRM1-related conditions. An algorithm developed to predict the effect of missense changes on protein structure and function (PolyPhen-2) suggests that this variant is likely to be disruptive. In summary, the available evidence is currently insufficient to determine the role of this variant in disease. Therefore, it has been classified as a Variant of Uncertain Significance.